The following is an entry in ClinVar:

ClinVar aggregate classification (germline): Uncertain significance (0 of 4 stars; one submission).

Conditions:
PIK3R2-related disorder. Also called: PIK3R2-related condition.

Submission:

PreventionGenetics, part of Exact Sciences
Classification: Uncertain significance for PIK3R2-related condition. Last evaluated: 2024-01-19. Review status: no assertion criteria provided. Collection method: clinical testing. Allele origin: germline.
Comment: The PIK3R2 c.481G>C variant is predicted to result in the amino acid substitution p.Asp161His. To our knowledge, this variant has not been reported in the literature or in a large population database, indicating this variant is rare. At this time, the clinical significance of this variant is uncertain due to the absence of conclusive functional and genetic evidence.

NM_005027.4(PIK3R2):c.481G>C (p.Asp161His)

Gene: PIK3R2 (phosphoinositide-3-kinase regulatory subunit 2; plus strand). Cytogenetic location: 19p13.11.
Variant type: single nucleotide variant.
Coding change: c.481G>C on transcript NM_005027.4 (MANE Select); coding-DNA position 481, G replaced by C.
Protein change: p.Asp161His; replaces aspartic acid 161 with histidine.
Molecular consequence: missense variant. On other transcripts: non-coding transcript variant (2).
Genome position (GRCh38, 1-based): chr19:18,161,068, G>C. VCF-style: chr19-18161068-G-C. GRCh37 (hg19) VCF-style: chr19-18271878-G-C.
Other names: short protein forms D161H.
Identifiers: ClinVar variation 3060546 (VCV003060546.2), dbSNP rs1208639269, ClinGen allele CA404804888.